The following is an entry in ClinVar:

ClinVar aggregate classification (germline): Uncertain significance (1 of 4 stars; one submission).

Conditions:
Cardiovascular phenotype. Identifiers: MedGen CN230736.

Submission:

Ambry Genetics
Classification: Uncertain significance for Cardiovascular phenotype. Last evaluated: 2024-10-08. Review status: criteria provided, single submitter. Criteria: Ambry Variant Classification Scheme 2023. Collection method: clinical testing. Allele origin: germline.
Comment: The p.L184P variant (also known as c.551T>C), located in coding exon 5 of the ABCG5 gene, results from a T to C substitution at nucleotide position 551. The leucine at codon 184 is replaced by proline, an amino acid with similar properties. This amino acid position is conserved. In addition, this alteration is predicted to be tolerated by in silico analysis. Based on the available evidence, the clinical significance of this variant remains unclear.

NM_022436.3(ABCG5):c.551T>C (p.Leu184Pro)

Genes: ABCG5 (ATP binding cassette subfamily G member 5; minus strand), DYNC2LI1 (dynein cytoplasmic 2 light intermediate chain 1; plus strand). Cytogenetic location: 2p21.
Variant type: single nucleotide variant.
Coding change: c.551T>C on transcript NM_022436.3 (MANE Select); coding-DNA position 551, T replaced by C.
Protein change: p.Leu184Pro; replaces leucine 184 with proline.
Molecular consequence: missense variant. On other transcripts: 3 prime UTR variant (2).
Genome position (GRCh38, 1-based): chr2:43,828,066, A>G on the plus strand (T>C on the coding strand, the complement: ABCG5 is on the minus strand). VCF-style: chr2-43828066-A-G. GRCh37 (hg19) VCF-style: chr2-44055205-A-G.
Other names: c.*696A>G (NM_001348912.2, NM_001348913.2); short protein forms L184P.
Identifiers: ClinVar variation 3416260 (VCV003416260.1).